The following is an entry in ClinVar:

NM_004517.4(ILK):c.958C>G (p.Leu320Val)

Genes: TAF10 (TATA-box binding protein associated factor 10; minus strand), ILK (integrin linked kinase; plus strand). Cytogenetic location: 11p15.4.
Variant type: single nucleotide variant.
Coding change: c.958C>G on transcript NM_004517.4 (MANE Select); coding-DNA position 958, C replaced by G.
Protein change: p.Leu320Val; replaces leucine 320 with valine.
Molecular consequence: missense variant. On other transcripts: 3 prime UTR variant (1).
Genome position (GRCh38, 1-based): chr11:6,609,825, C>G. VCF-style: chr11-6609825-C-G. GRCh37 (hg19) VCF-style: chr11-6631056-C-G.
Other names: c.958C>G, p.Leu320Val (NM_001014794.3, NM_001014795.3); c.775C>G, p.Leu259Val (NM_001278441.2); c.556C>G, p.Leu186Val (NM_001278442.2); c.*1097G>C (NM_006284.4); short protein forms L186V, L259V, L320V.
Identifiers: ClinVar variation 1015536 (VCV001015536.10), dbSNP rs912510389, ClinGen allele CA217315735.
Genomic context (GRCh38, chr11:6,609,825, plus strand): 5'-GACATGGCAAGGGGCATGGCCTTCCTACACACACTAGAGCCCCTCATCCCACGACATGCA[C>G]TCAATAGCCGTAGTGTAATGGTGAGGCCACAAGCTCACTCCTGGCCCAGGCCCCAAAAGC-3'
Protein context (NP_004508.1, residues 310-330): TLEPLIPRHA[Leu320Val]NSRSVMIDED

ClinVar aggregate classification (germline): Uncertain significance. Review status: criteria provided, multiple submitters, no conflicts (2 of 4 stars). 2 submissions from 2 submitters: Uncertain significance (2). Last evaluated 2026-01-27.

Conditions:
ILK-related disorder. Also called: ILK-related condition.
Primary familial hypertrophic cardiomyopathy (HCM). Identifiers: Orphanet 99739, MedGen C0949658, MeSH D024741, MONDO:0024573. Inheritance: Various modes of inheritance.

Allele frequency attached by ClinVar (database versions not stated): TOPMed 0.00001; gnomAD 0.00003.
gnomAD v4.1: 8 of 1,614,112 alleles (0.0005%); highest among the groups gnomAD compares: African/African-American, 0.008%; no homozygotes.

Submissions (2):

Labcorp Genetics (formerly Invitae), Labcorp
Classification: Uncertain significance for Primary familial hypertrophic cardiomyopathy. Last evaluated: 2026-01-27. Review status: criteria provided, single submitter. Criteria: Invitae Variant Classification Sherloc (09022015). Collection method: clinical testing. Allele origin: germline.
Comment: This sequence change replaces leucine, which is neutral and non-polar, with valine, which is neutral and non-polar, at codon 320 of the ILK protein (p.Leu320Val). This variant is present in population databases (no rsID available, gnomAD 0.02%). This variant has not been reported in the literature in individuals affected with ILK-related conditions. ClinVar contains an entry for this variant (Variation ID: 1015536). An algorithm developed to predict the effect of missense changes on protein structure and function (PolyPhen-2) suggests that this variant is likely to be tolerated. In summary, the available evidence is currently insufficient to determine the role of this variant in disease. Therefore, it has been classified as a Variant of Uncertain Significance.

PreventionGenetics, part of Exact Sciences
Classification: Uncertain significance for ILK-related condition. Last evaluated: 2022-11-10. Review status: criteria provided, single submitter. Criteria: ACMG Guidelines, 2015. Collection method: clinical testing. Allele origin: germline.
Comment: The ILK c.958C>G variant is predicted to result in the amino acid substitution p.Leu320Val. To our knowledge, this variant has not been reported in the literature. This variant is reported in 0.023% of alleles in individuals of African descent in gnomAD. At this time, the clinical significance of this variant is uncertain due to the absence of conclusive functional and genetic evidence.